The following is an entry in ClinVar:

NM_001369.3(DNAH5):c.9761del (p.Lys3254fs)

Gene: DNAH5 (dynein axonemal heavy chain 5; minus strand). Cytogenetic location: 5p15.2.
Variant type: Deletion.
Coding change: c.9761del on transcript NM_001369.3 (MANE Select); coding-DNA position 9761, one base deleted (A; older notation c.9761delA).
Protein change: p.Lys3254fs; shifts the reading frame from lysine 3254.
Molecular consequence: frameshift variant.
Genome position (GRCh38, 1-based): chr5:13,769,096, T deleted on the plus strand (A on the coding strand, the reverse complement: DNAH5 is on the minus strand); the first of 4 consecutive T bases (chr5:13,769,096-13,769,099); deleting any one gives the same sequence. VCF-style (leftmost placement, unchanged base first): chr5-13769095-CT-C. GRCh37 (hg19) VCF-style: chr5-13769204-CT-C.
Other names: short protein forms K3254fs.
Identifiers: ClinVar variation 1724339 (VCV001724339.2), dbSNP rs2546656558, ClinGen allele CA2580072199.
Genomic context (GRCh38, chr5:13,769,095, plus strand): 5'-AGAGATGCTGTCCACAATGGCCTGGGCCCTGTCCTTCACCTTCTGTACCTCAGCCTTGAC[CT>C]TTTCAGCAGCCTGTGCTTTCATTGTCACTTCTTTTAAGACCTAATTCAATATAAAGCAAG-3'

ClinVar aggregate classification (germline): Likely pathogenic (1 of 4 stars; one submission).

Conditions:
Primary ciliary dyskinesia 3. Identifiers: Orphanet 244, MedGen C1837618, MONDO:0012085, OMIM 608644.

Submission:

Myriad Genetics, Inc.
Classification: Likely pathogenic for Primary ciliary dyskinesia 3. Last evaluated: 2022-02-07. Review status: criteria provided, single submitter. Criteria: Myriad Women's Health Autosomal Recessive and X-Linked Classification Criteria (2021). Collection method: clinical testing. Allele origin: unknown.
Comment: NM_001369.2(DNAH5):c.9761delA(K3254Rfs*9) is expected to be pathogenic in the context of DNAH5-related primary ciliary dyskinesia. This variant is predicted to lead to an abnormal or absent protein product due to the creation of a premature termination codon in DNAH5, a gene where loss-of-function variants are known to be pathogenic. Please note: this variant was assessed in the context of healthy population screening.